The following is an entry in ClinVar:

ClinVar aggregate classification (germline): Pathogenic/Likely pathogenic. Review status: criteria provided, multiple submitters, no conflicts (2 of 4 stars). 2 submissions from 2 submitters: Pathogenic (1); Likely pathogenic (1). Last evaluated 2019-05-01.

Conditions:
Trichorhinophalangeal dysplasia type I (TRPS1). Also called: TRICHORHINOPHALANGEAL SYNDROME, TYPE I; TRPS I. Identifiers: Orphanet 77258, MedGen C0432233, MONDO:0008596, OMIM 190350.

Submissions (2):

CeGaT Center for Human Genetics Tuebingen
Classification: Likely pathogenic. Last evaluated: 2019-05-01. Review status: criteria provided, single submitter. Criteria: CeGaT Center For Human Genetics Tuebingen Variant Classification Criteria Version 2. Collection method: clinical testing. Allele origin: germline. Affected: yes. Observed: 1 variant allele.

Clinical Biomedical Laboratory, Shriners Hospital For Children - Canada
Classification: Pathogenic for Trichorhinophalangeal dysplasia type I. Review status: criteria provided, single submitter. Criteria: ACMG Guidelines, 2015. Collection method: clinical testing. Allele origin: germline. Affected: yes.
Comment: This variant is predicted to substitute a leucine residue by a valine residue in TRPS1. This variant is absent in the Genome Aggregation Database (gnomAD v2.1.1), indicating it is very rare. Computational tools (REVEL: 0.83) suggest that the amino acid change is deleterious to protein function. The gene is associated with trichorhinophalangeal syndrome type I, which has considerable overlap with the reported phenotype of the proband. Based on the ACMG variant interpretation guidelines (criteria: PM2, PM5, PP3, PP4, PP5, PM6), the available evidence supports classification of this variant as pathogenic.

NM_014112.5(TRPS1):c.2755C>G (p.Leu919Val)

Gene: TRPS1 (transcriptional repressor GATA binding 1; minus strand). Cytogenetic location: 8q23.3.
Variant type: single nucleotide variant.
Coding change: c.2755C>G on transcript NM_014112.5 (MANE Select); coding-DNA position 2755, C replaced by G.
Protein change: p.Leu919Val; replaces leucine 919 with valine.
Molecular consequence: missense variant.
Genome position (GRCh38, 1-based): chr8:115,418,398, G>C on the plus strand (C>G on the coding strand, the complement: TRPS1 is on the minus strand). VCF-style: chr8-115418398-G-C. GRCh37 (hg19) VCF-style: chr8-116430626-G-C.
Other names: c.2728C>G, p.Leu910Val (NM_001282902.3); c.2734C>G, p.Leu912Val (NM_001282903.3); c.2716C>G, p.Leu906Val (NM_001330599.2); short protein forms L912V, L910V, L906V, L919V.
Identifiers: ClinVar variation 810308 (VCV000810308.42), dbSNP rs1586254022, ClinGen allele CA372064318.